The following is an entry in ClinVar:

ClinVar aggregate classification (germline): Likely pathogenic (1 of 4 stars; one submission).

Conditions:
Bifunctional peroxisomal enzyme deficiency (DBIF). Also called: DBP DEFICIENCY; PBFE DEFICIENCY; D-bifunctional protein deficiency. Identifiers: Orphanet 300, MedGen C0342870, MONDO:0009855, OMIM 261515. Disease mechanism: loss of function.

Submission:

Myriad Genetics, Inc.
Classification: Likely pathogenic for Bifunctional peroxisomal enzyme deficiency. Last evaluated: 2021-11-05. Review status: criteria provided, single submitter. Criteria: Myriad Autosomal Dominant, Autosomal Recessive and X-Linked Classification Criteria (2023). Collection method: clinical testing. Allele origin: unknown.
Comment: NM_000414.3(HSD17B4):c.290delT(V97Afs*7) is expected to be pathogenic in the context of HSD17B4-related disorders. This variant is predicted to lead to an abnormal or absent protein product due to the creation of a premature termination codon in HSD17B4, a gene where loss-of-function variants are known to be pathogenic. Please note: this variant was assessed in the context of healthy population screening.

NM_000414.4(HSD17B4):c.290del (p.Val97fs)

Gene: HSD17B4 (hydroxysteroid 17-beta dehydrogenase 4; plus strand). Cytogenetic location: 5q23.1.
Variant type: Deletion.
Coding change: c.290del on transcript NM_000414.4 (MANE Select); coding-DNA position 290, one base deleted (T; older notation c.290delT).
Protein change: p.Val97fs; shifts the reading frame from valine 97.
Molecular consequence: frameshift variant. On other transcripts: 5 prime UTR variant (5), non-coding transcript variant (2).
Genome position (GRCh38, 1-based): chr5:119,475,715, T deleted. VCF-style (leftmost placement, unchanged base first): chr5-119475714-GT-G. GRCh37 (hg19) VCF-style: chr5-118811409-GT-G.
Other names: c.365del, p.Val122fs (NM_001199291.3); c.236del, p.Val79fs (NM_001199292.2); c.218del, p.Val73fs (NM_001292027.2); c.-122del (NM_001292028.2, NM_001374501.1, NM_001374502.1 and 1 more transcripts); c.290del, p.Val97fs (NM_001374497.1, NM_001374498.1); c.10del, p.Ser4fs (NM_001374499.1); c.-249del (NM_001374500.1); short protein forms S4fs, V122fs, V73fs, V79fs, V97fs.
Identifiers: ClinVar variation 1724132 (VCV001724132.3), dbSNP rs2531609485, ClinGen allele CA2580072492.